The following is an entry in ClinVar:

NM_001845.6(COL4A1):c.1701G>A (p.Pro567=)

Gene: COL4A1 (collagen type IV alpha 1 chain; minus strand). Cytogenetic location: 13q34.
Variant type: single nucleotide variant.
Coding change: c.1701G>A on transcript NM_001845.6 (MANE Select); coding-DNA position 1701, G replaced by A.
Protein change: p.Pro567=; no amino-acid change (proline 567 retained).
Molecular consequence: synonymous variant.
Genome position (GRCh38, 1-based): chr13:110,187,165, C>T on the plus strand (G>A on the coding strand, the complement: COL4A1 is on the minus strand). VCF-style: chr13-110187165-C-T. GRCh37 (hg19) VCF-style: chr13-110839512-C-T.
Other names: p.Pro567=.
Identifiers: ClinVar variation 585511 (VCV000585511.42), dbSNP rs146480068, ClinGen allele CA7047855.

ClinVar aggregate classification (germline): Benign/Likely benign. Review status: criteria provided, multiple submitters, no conflicts (2 of 4 stars). 7 submissions from 7 submitters: Benign (4); Likely benign (3). Last evaluated 2026-01-28.

Allele frequency attached by ClinVar (database versions not stated): gnomAD exomes 0.00040 and 0.00098; ExAC 0.00128; 1000 Genomes Project 30x 0.00328; 1000 Genomes Project 0.00359; gnomAD 0.00458 and 0.00419; ESP Exome Variant Server 0.00461; TOPMed 0.00453.

Submissions (7):

Labcorp Genetics (formerly Invitae), Labcorp
Classification: Benign. Last evaluated: 2026-01-28. Review status: criteria provided, single submitter. Criteria: Invitae Variant Classification Sherloc (09022015). Collection method: clinical testing. Allele origin: germline.

Blueprint Genetics
Classification: Likely benign. Last evaluated: 2024-10-22. Review status: criteria provided, single submitter. Criteria: ACMG Guidelines, 2015. Collection method: clinical testing. Allele origin: germline.

Mayo Clinic Laboratories, Mayo Clinic
Classification: Benign. Last evaluated: 2024-09-10. Review status: criteria provided, single submitter. Criteria: ACMG Guidelines, 2015. Collection method: clinical testing. Allele origin: germline. Observed: 6 variant alleles.
Comment: BS1, BS2, BP4, BP7

CeGaT Center for Human Genetics Tuebingen
Classification: Benign. Last evaluated: 2023-09-01. Review status: criteria provided, single submitter. Criteria: CeGaT Center For Human Genetics Tuebingen Variant Classification Criteria Version 2. Collection method: clinical testing. Allele origin: germline. Affected: yes. Observed: 1 variant allele.
Comment: COL4A1: BP4, BP7, BS1, BS2

GeneDx
Classification: Likely benign. Last evaluated: 2021-01-20. Review status: criteria provided, single submitter. Criteria: GeneDx Variant Classification Process June 2021. Collection method: clinical testing. Allele origin: germline. Affected: yes.

Athena Diagnostics
Classification: Benign. Last evaluated: 2017-11-20. Review status: criteria provided, single submitter. Criteria: Athena Diagnostics Criteria. Collection method: clinical testing. Allele origin: germline.

Breakthrough Genomics
Classification: Likely benign. Review status: criteria provided, single submitter. Criteria: ACMG Guidelines, 2015. Collection method: not provided. Allele origin: germline. Inheritance: Autosomal dominant inheritance. Affected: yes.